The following is an entry in ClinVar:

NM_004698.4(PRPF3):c.1399G>T (p.Gly467Cys)

Gene: PRPF3 (pre-mRNA processing factor 3; plus strand). Cytogenetic location: 1q21.2.
Variant type: single nucleotide variant.
Coding change: c.1399G>T on transcript NM_004698.4 (MANE Select); coding-DNA position 1399, G replaced by T.
Protein change: p.Gly467Cys; replaces glycine 467 with cysteine.
Molecular consequence: missense variant. On other transcripts: non-coding transcript variant (4).
Genome position (GRCh38, 1-based): chr1:150,343,425, G>T. VCF-style: chr1-150343425-G-T. GRCh37 (hg19) VCF-style: chr1-150315901-G-T.
Other names: c.994G>T, p.Gly332Cys (NM_001350529.1); short protein forms G467C, G332C.
Identifiers: ClinVar variation 1967676 (VCV001967676.5), dbSNP rs2525216515, ClinGen allele CA342280150.
Genomic context (GRCh38, chr1:150,343,425, plus strand): 5'-AAACTTCGGAGACAAACAAGGAGGGAAGCACAGAAGGAACTACAAGAAAAAGTCAGGCTG[G>T]GCCTGATGCCTCCTCCAGAACCCAAAGGTGCATTTCTCAGTGGCCTCTTCTGTTAAAAAG-3'
Protein context (NP_004689.1, residues 457-477): QKELQEKVRL[Gly467Cys]LMPPPEPKVR

ClinVar aggregate classification (germline): Uncertain significance (1 of 4 stars; one submission).

Submission:

Labcorp Genetics (formerly Invitae), Labcorp
Classification: Uncertain significance. Last evaluated: 2022-09-27. Review status: criteria provided, single submitter. Criteria: Invitae Variant Classification Sherloc (09022015). Collection method: clinical testing. Allele origin: germline.
Comment: In summary, the available evidence is currently insufficient to determine the role of this variant in disease. Therefore, it has been classified as a Variant of Uncertain Significance. Advanced modeling of protein sequence and biophysical properties (such as structural, functional, and spatial information, amino acid conservation, physicochemical variation, residue mobility, and thermodynamic stability) performed at Invitae indicates that this missense variant is expected to disrupt PRPF3 protein function. This variant has not been reported in the literature in individuals affected with PRPF3-related conditions. This variant is not present in population databases (gnomAD no frequency). This sequence change replaces glycine, which is neutral and non-polar, with cysteine, which is neutral and slightly polar, at codon 467 of the PRPF3 protein (p.Gly467Cys).